The following is an entry in ClinVar:

ClinVar aggregate classification (germline): Uncertain significance (1 of 4 stars; one submission).

Allele frequency attached by ClinVar (database versions not stated): ExAC 0.00001; gnomAD 0.00001; TOPMed 0.00001.

Submission:

Labcorp Genetics (formerly Invitae), Labcorp
Classification: Uncertain significance. Last evaluated: 2024-02-17. Review status: criteria provided, single submitter. Criteria: Invitae Variant Classification Sherloc (09022015). Collection method: clinical testing. Allele origin: germline.
Comment: This sequence change replaces asparagine, which is neutral and polar, with lysine, which is basic and polar, at codon 697 of the LCT protein (p.Asn697Lys). This variant is present in population databases (rs765852581, gnomAD 0.0009%). This variant has not been reported in the literature in individuals affected with LCT-related conditions. ClinVar contains an entry for this variant (Variation ID: 1496194). An algorithm developed to predict the effect of missense changes on protein structure and function (PolyPhen-2) suggests that this variant is likely to be tolerated. In summary, the available evidence is currently insufficient to determine the role of this variant in disease. Therefore, it has been classified as a Variant of Uncertain Significance.

NM_002299.4(LCT):c.2091C>G (p.Asn697Lys)

Gene: LCT (lactase; minus strand). Cytogenetic location: 2q21.3.
Variant type: single nucleotide variant.
Coding change: c.2091C>G on transcript NM_002299.4 (MANE Select); coding-DNA position 2091, C replaced by G.
Protein change: p.Asn697Lys; replaces asparagine 697 with lysine.
Molecular consequence: missense variant.
Genome position (GRCh38, 1-based): chr2:135,812,573, G>C on the plus strand (C>G on the coding strand, the complement: LCT is on the minus strand). VCF-style: chr2-135812573-G-C. GRCh37 (hg19) VCF-style: chr2-136570143-G-C.
Other names: short protein forms N697K.
Identifiers: ClinVar variation 1496194 (VCV001496194.6), dbSNP rs765852581, ClinGen allele CA1888298.